The following is an entry in ClinVar:

NM_000421.5(KRT10):c.596A>T (p.Tyr199Phe)

Genes: KRT10-AS1 (KRT10 antisense RNA 1; plus strand), KRT10 (keratin 10; minus strand). Cytogenetic location: 17q21.2.
Variant type: single nucleotide variant.
Coding change: c.596A>T on transcript NM_000421.5 (MANE Select); coding-DNA position 596, A replaced by T.
Protein change: p.Tyr199Phe; replaces tyrosine 199 with phenylalanine.
Molecular consequence: missense variant.
Genome position (GRCh38, 1-based): chr17:40,821,990, T>A on the plus strand (A>T on the coding strand, the complement: KRT10 is on the minus strand). VCF-style: chr17-40821990-T-A. GRCh37 (hg19) VCF-style: chr17-38978242-T-A.
Other names: c.596A>T, p.Tyr199Phe (NM_001379366.1); short protein forms Y199F.
Identifiers: ClinVar variation 5020605 (VCV005020605.1).

ClinVar aggregate classification (germline): Uncertain significance (1 of 4 stars; one submission).

gnomAD v4.1: 1 of 1,614,032 alleles (0.000062%); highest among the groups gnomAD compares: African/African-American, 0.0013%; no homozygotes.

Submission:

Dasa
Classification: Uncertain significance. Last evaluated: 2026-05-07. Review status: criteria provided, single submitter. Criteria: DASA Assertion Criteria. Collection method: clinical testing. Allele origin: germline.
Comment: NM_000421.5(KRT10):c.596A>T (p.Tyr199Phe) is a missense variant that results in the substitution of tyrosine with phenylalanine. This variant is rare in population databases. Computational prediction algorithms are consistent with a deleterious effect. The currently available literature and clinical evidence are not sufficient to establish a definitive association between this variant and the reported condition. Therefore, this variant is classified as a variant of uncertain significance.